The following is an entry in ClinVar:

NM_000780.4(CYP7A1):c.8C>A (p.Thr3Asn)

Genes: CYP7A1 (cytochrome P450 family 7 subfamily A member 1; minus strand), LOC110596866 (CYP7A1 5' regulatory region; plus strand). Cytogenetic location: 8q12.1.
Variant type: single nucleotide variant.
Coding change: c.8C>A on transcript NM_000780.4 (MANE Select); coding-DNA position 8, C replaced by A.
Protein change: p.Thr3Asn; replaces threonine 3 with asparagine.
Molecular consequence: missense variant.
Genome position (GRCh38, 1-based): chr8:58,500,091, G>T on the plus strand (C>A on the coding strand, the complement: CYP7A1 is on the minus strand). VCF-style: chr8-58500091-G-T. GRCh37 (hg19) VCF-style: chr8-59412650-G-T.
Other names: short protein forms T3N.
Identifiers: ClinVar variation 3613259 (VCV003613259.2).

ClinVar aggregate classification (germline): Uncertain significance (1 of 4 stars; one submission).

Submission:

Labcorp Genetics (formerly Invitae), Labcorp
Classification: Uncertain significance. Last evaluated: 2024-11-05. Review status: criteria provided, single submitter. Criteria: Invitae Variant Classification Sherloc (09022015). Collection method: clinical testing. Allele origin: germline.
Comment: This sequence change replaces threonine, which is neutral and polar, with asparagine, which is neutral and polar, at codon 3 of the CYP7A1 protein (p.Thr3Asn). This variant is not present in population databases (gnomAD no frequency). This variant has not been reported in the literature in individuals affected with CYP7A1-related conditions. An algorithm developed to predict the effect of missense changes on protein structure and function (PolyPhen-2) suggests that this variant is likely to be tolerated. In summary, the available evidence is currently insufficient to determine the role of this variant in disease. Therefore, it has been classified as a Variant of Uncertain Significance.